The following is an entry in ClinVar:

ClinVar aggregate classification (germline): Uncertain significance (1 of 4 stars; one submission).

Allele frequency attached by ClinVar (database versions not stated): gnomAD exomes below 0.00001.

Submission:

CeGaT Center for Human Genetics Tuebingen
Classification: Uncertain significance. Last evaluated: 2023-05-01. Review status: criteria provided, single submitter. Criteria: CeGaT Center For Human Genetics Tuebingen Variant Classification Criteria Version 2. Collection method: clinical testing. Allele origin: germline. Affected: yes. Observed: 1 variant allele.
Comment: POLR2A: PM2:Supporting, BP4

NM_000937.5(POLR2A):c.1956G>A (p.Leu652=)

Gene: POLR2A (RNA polymerase II subunit A; plus strand). Cytogenetic location: 17p13.1.
Variant type: single nucleotide variant.
Coding change: c.1956G>A on transcript NM_000937.5 (MANE Select); coding-DNA position 1956, G replaced by A.
Protein change: p.Leu652=; no amino-acid change (leucine 652 retained).
Molecular consequence: synonymous variant.
Genome position (GRCh38, 1-based): chr17:7,501,014, G>A. VCF-style: chr17-7501014-G-A. GRCh37 (hg19) VCF-style: chr17-7404333-G-A.
Identifiers: ClinVar variation 2647348 (VCV002647348.24), dbSNP rs2508133184, ClinGen allele CA497944911.